The following is an entry in ClinVar:

NM_001042492.3(NF1):c.5810del (p.Ser1937fs)

Gene: NF1 (neurofibromin 1; plus strand). Cytogenetic location: 17q11.2.
Variant type: Deletion.
Coding change: c.5810del on transcript NM_001042492.3 (MANE Select); coding-DNA position 5810, one base deleted (C; older notation c.5810delC).
Protein change: p.Ser1937fs; shifts the reading frame from serine 1937.
Molecular consequence: frameshift variant.
Genome position (GRCh38, 1-based): chr17:31,330,496, C deleted. VCF-style (leftmost placement, unchanged base first): chr17-31330495-TC-T. GRCh37 (hg19) VCF-style: chr17-29657513-TC-T.
Other names: c.5747delC, p.Ser1916Leufs (NM_000267.4); short protein forms S1916fs, S1937fs.
Identifiers: ClinVar variation 2884070 (VCV002884070.3), dbSNP rs2508719772, ClinGen allele CA2695225058.
Genomic context (GRCh38, chr17:31,330,495, plus strand): 5'-GCCAATGAGCCACACCTCACGTTAGAATTTTTGGAAGAGTGTATTTCTGGATTTAGCAAA[TC>T]TAGTAAGTAATGATAATTTTCTTTAATACTAACAATTATTCTAAGAGAATTCAAAGAAAA-3'

ClinVar aggregate classification (germline): Pathogenic (1 of 4 stars; one submission).

Conditions:
Neurofibromatosis, type 1 (NF1). Also called: Peripheral type neurofibromatosis; Neurofibromatosis, type I; VON RECKLINGHAUSEN DISEASE; NEUROFIBROMATOSIS, TYPE I, SOMATIC. Identifiers: Orphanet 636, MedGen C0027831, MONDO:0018975, OMIM 162200. Disease mechanism: loss of function.

Submission:

Labcorp Genetics (formerly Invitae), Labcorp
Classification: Pathogenic for Neurofibromatosis, type 1. Last evaluated: 2023-08-24. Review status: criteria provided, single submitter. Criteria: Invitae Variant Classification Sherloc (09022015). Collection method: clinical testing. Allele origin: germline.
Comment: This sequence change creates a premature translational stop signal (p.Ser1916Leufs*5) in the NF1 gene. It is expected to result in an absent or disrupted protein product. Loss-of-function variants in NF1 are known to be pathogenic (PMID: 10712197, 23913538). This variant is not present in population databases (gnomAD no frequency). This premature translational stop signal has been observed in individual(s) with neurofibromatosis, type 1 (PMID: 30530636). For these reasons, this variant has been classified as Pathogenic.

Literature cited by the submitters: PubMed 10712197; PubMed 23913538; PubMed 30530636.